The following is an entry in ClinVar:

NM_003823.4(TNFRSF6B):c.190C>T (p.Arg64Ter)

Genes: RTEL1-TNFRSF6B (RTEL1-TNFRSF6B readthrough (NMD candidate); plus strand), TNFRSF6B (TNF receptor superfamily member 6b; plus strand). Cytogenetic location: 20q13.33.
Variant type: single nucleotide variant.
Coding change: c.190C>T on transcript NM_003823.4 (MANE Select); coding-DNA position 190, C replaced by T.
Protein change: p.Arg64Ter; replaces arginine 64 with a stop codon.
Molecular consequence: nonsense. On other transcripts: non-coding transcript variant (1).
Genome position (GRCh38, 1-based): chr20:63,696,957, C>T. VCF-style: chr20-63696957-C-T. GRCh37 (hg19) VCF-style: chr20-62328310-C-T.
Other names: short protein forms R64*.
Identifiers: ClinVar variation 2414119 (VCV002414119.43), dbSNP rs775494393, ClinGen allele CA9966354.

ClinVar aggregate classification (germline): Uncertain significance (1 of 4 stars; one submission).

Allele frequency attached by ClinVar (database versions not stated): ExAC 0.00001; gnomAD 0.00001; gnomAD exomes 0.00001; TOPMed 0.00001.

Submission:

Labcorp Genetics (formerly Invitae), Labcorp
Classification: Uncertain significance. Last evaluated: 2024-07-27. Review status: criteria provided, single submitter. Criteria: Invitae Variant Classification Sherloc (09022015). Collection method: clinical testing. Allele origin: germline.
Comment: This sequence change creates a premature translational stop signal (p.Arg64*) in the TNFRSF6B gene. It is expected to result in an absent or disrupted protein product. However, the current clinical and genetic evidence is not sufficient to establish whether loss-of-function variants in TNFRSF6B cause disease. This variant is present in population databases (rs775494393, gnomAD 0.003%). This variant has not been reported in the literature in individuals affected with TNFRSF6B-related conditions. ClinVar contains an entry for this variant (Variation ID: 2414119). In summary, the available evidence is currently insufficient to determine the role of this variant in disease. Therefore, it has been classified as a Variant of Uncertain Significance.